The following is an entry in ClinVar:

NM_000136.3(FANCC):c.1430_1431del (p.Thr477fs)

Genes: FANCC (FA complementation group C; minus strand), AOPEP (aminopeptidase O (putative); plus strand). Cytogenetic location: 9q22.32.
Variant type: Microsatellite.
Coding change: c.1430_1431del on transcript NM_000136.3 (MANE Select); coding-DNA positions 1430 to 1431, 2 bases deleted (CA; older notation c.1430_1431delCA).
Protein change: p.Thr477fs; shifts the reading frame from threonine 477.
Molecular consequence: frameshift variant.
Genome position (GRCh38, 1-based): chr9:95,107,168-95,107,169, TG deleted on the plus strand (CA on the coding strand, the reverse complement: FANCC is on the minus strand); deleting any 2 consecutive bases within chr9:95,107,168-95,107,172 gives the same sequence; the c. name uses the placement nearest the transcript's 3' end. VCF-style (leftmost placement, unchanged base first): chr9-95107167-CTG-C. GRCh37 (hg19) VCF-style: chr9-97869449-CTG-C.
Other names: c.1430_1431del, p.Thr477fs (NM_001243743.2); short protein forms T477fs.
Identifiers: ClinVar variation 664629 (VCV000664629.3), dbSNP rs1588029220, ClinGen allele CA915947016.

ClinVar aggregate classification (germline): Pathogenic/Likely pathogenic. Review status: criteria provided, multiple submitters, no conflicts (2 of 4 stars). 3 submissions from 3 submitters: Pathogenic (1); Likely pathogenic (2). Last evaluated 2024-06-05.

Conditions:
Fanconi anemia complementation group C (FANCC). Also called: FANCC-Related Fanconi Anemia; Fanconi anemia, group C; FANCONI PANCYTOPENIA, TYPE 3; FACC. Identifiers: Orphanet 84, MedGen C3468041, MONDO:0009213, OMIM 227645.
Fanconi anemia (FA). Also called: Fanconi's anemia. Identifiers: Orphanet 84, MedGen C0015625, MeSH D005199, MONDO:0019391.

Submissions (3):

Fulgent Genetics
Classification: Likely pathogenic for Fanconi anemia complementation group C. Last evaluated: 2024-06-05. Review status: criteria provided, single submitter. Criteria: ACMG Guidelines, 2015. Collection method: clinical testing. Allele origin: germline.

Baylor Genetics
Classification: Likely pathogenic for Fanconi anemia complementation group C. Last evaluated: 2024-01-23. Review status: criteria provided, single submitter. Criteria: ACMG Guidelines, 2015. Collection method: clinical testing. Allele origin: unknown.

Labcorp Genetics (formerly Invitae), Labcorp
Classification: Pathogenic for Fanconi anemia. Last evaluated: 2018-12-12. Review status: criteria provided, single submitter. Criteria: Invitae Variant Classification Sherloc (09022015). Collection method: clinical testing. Allele origin: germline.
Comment: This sequence change results in a premature translational stop signal in the FANCC gene (p.Thr477Argfs*40). While this is not anticipated to result in nonsense mediated decay, it is expected to disrupt the last 82 amino acids of the FANCC protein. This variant is not present in population databases (ExAC no frequency). This variant has not been reported in the literature in individuals with FANCC-related conditions. Experimental studies and prediction algorithms are not available for this variant, and the functional significance of the affected amino acid(s) is currently unknown. This variant disrupts the C-terminus of the FANCC protein. Other variant(s) that disrupt this region (p.Arg548*) have been determined to be pathogenic (PMID: 8103176, 24584348, 8882868). This suggests that variants that disrupt this region of the protein are likely to be causative of disease. For these reasons, this variant has been classified as Pathogenic.

Literature cited by the submitters: PubMed 24584348 (cited by Labcorp Genetics (formerly Invitae), Labcorp); PubMed 8882868 (cited by Labcorp Genetics (formerly Invitae), Labcorp); PubMed 8103176 (cited by Labcorp Genetics (formerly Invitae), Labcorp).